The following is an entry in ClinVar:

NM_014915.3(ANKRD26):c.2677C>G (p.Gln893Glu)

Gene: ANKRD26 (ankyrin repeat domain 26; minus strand). Cytogenetic location: 10p12.1.
Variant type: single nucleotide variant.
Coding change: c.2677C>G on transcript NM_014915.3 (MANE Select); coding-DNA position 2677, C replaced by G.
Protein change: p.Gln893Glu; replaces glutamine 893 with glutamic acid.
Molecular consequence: missense variant.
Genome position (GRCh38, 1-based): chr10:27,037,206, G>C on the plus strand (C>G on the coding strand, the complement: ANKRD26 is on the minus strand). VCF-style: chr10-27037206-G-C. GRCh37 (hg19) VCF-style: chr10-27326135-G-C.
Other names: c.2674C>G, p.Gln892Glu (NM_001256053.2); short protein forms Q893E, Q892E.
Identifiers: ClinVar variation 3709964 (VCV003709964.3).
Genomic context (GRCh38, chr10:27,037,206, plus strand): 5'-TACACACATATTTGAAAATGACTAAAGGAAATAGAAATACCTCAGAATTCATTTTCTTTT[G>C]AGCCATTTCAATCTCCTTTTGTTTGGAAAGGTGATTGGTCAGAATTCCATCTTGTAACAT-3'
Protein context (NP_055730.2, residues 883-903): LSKQKEIEMA[Gln893Glu]KKMNSENSHS

ClinVar aggregate classification (germline): Uncertain significance. Review status: criteria provided, multiple submitters, no conflicts (2 of 4 stars). 2 submissions from 2 submitters: Uncertain significance (2). Last evaluated 2024-12-20.

Conditions:
Inborn genetic diseases. Identifiers: MedGen C0950123, MeSH D030342.

gnomAD v4.1: 5 of 1,613,448 alleles (0.00031%); highest among the groups gnomAD compares: African/African-American, 0.0053%; no homozygotes.

Submissions (2):

Ambry Genetics
Classification: Uncertain significance for Inborn genetic diseases. Last evaluated: 2024-12-20. Review status: criteria provided, single submitter. Criteria: Ambry Variant Classification Scheme 2023. Collection method: clinical testing. Allele origin: germline.
Comment: The p.Q893E variant (also known as c.2677C>G), located in coding exon 23 of the ANKRD26 gene, results from a C to G substitution at nucleotide position 2677. The glutamine at codon 893 is replaced by glutamic acid, an amino acid with highly similar properties. This amino acid position is conserved. In addition, this alteration is predicted to be tolerated by in silico analysis. Based on the available evidence, the clinical significance of this variant remains unclear.

Labcorp Genetics (formerly Invitae), Labcorp
Classification: Uncertain significance. Last evaluated: 2024-11-09. Review status: criteria provided, single submitter. Criteria: Invitae Variant Classification Sherloc (09022015). Collection method: clinical testing. Allele origin: germline.
Comment: This sequence change replaces glutamine, which is neutral and polar, with glutamic acid, which is acidic and polar, at codon 893 of the ANKRD26 protein (p.Gln893Glu). This variant is present in population databases (rs376457164, gnomAD 0.007%). This variant has not been reported in the literature in individuals affected with ANKRD26-related conditions. An algorithm developed to predict the effect of missense changes on protein structure and function (PolyPhen-2) suggests that this variant is likely to be tolerated. In summary, the available evidence is currently insufficient to determine the role of this variant in disease. Therefore, it has been classified as a Variant of Uncertain Significance.